The following is an entry in ClinVar:

NM_001365951.3(KIF1B):c.2182A>G (p.Thr728Ala)

Gene: KIF1B (kinesin family member 1B; plus strand). Cytogenetic location: 1p36.22.
Variant type: single nucleotide variant.
Coding change: c.2182A>G on transcript NM_001365951.3 (MANE Select); coding-DNA position 2182, A replaced by G.
Protein change: p.Thr728Ala; replaces threonine 728 with alanine.
Molecular consequence: missense variant.
Genome position (GRCh38, 1-based): chr1:10,320,109, A>G. VCF-style: chr1-10320109-A-G. GRCh37 (hg19) VCF-style: chr1-10380167-A-G.
Other names: c.2182A>G, p.Thr728Ala (NM_001365952.1); c.2044A>G, p.Thr682Ala (NM_015074.3); short protein forms T682A, T728A.
Identifiers: ClinVar variation 3226381 (VCV003226381.1), dbSNP rs2521594846, ClinGen allele CA338332374.
Genomic context (GRCh38, chr1:10,320,109, plus strand): 5'-GAGAGTAAATTGCAGGCCTTGCAGAAGCAGGTTGAAACCCGATCTCTGGCTGCAGAAACA[A>G]CTGAAGAGGAGGAAGAAGAGGAAGAAGGTGAAATCTAGAGACCGAAAGTTTCCTGTGTAT-3'
Protein context (NP_001352880.1, residues 718-738): VETRSLAAET[Thr728Ala]EEEEEEEEVP

ClinVar aggregate classification (germline): Uncertain significance (1 of 4 stars; one submission).

Submission:

Ambry Genetics
Classification: Uncertain significance. Last evaluated: 2023-11-08. Review status: criteria provided, single submitter. Criteria: Ambry Variant Classification Scheme 2023. Collection method: clinical testing. Allele origin: germline.
Comment: The p.T682A variant (also known as c.2044A>G), located in coding exon 20 of the KIF1B gene, results from an A to G substitution at nucleotide position 2044. The threonine at codon 682 is replaced by alanine, an amino acid with similar properties. This amino acid position is conserved. In addition, this alteration is predicted to be tolerated by in silico analysis. Since supporting evidence is limited at this time, the clinical significance of this alteration remains unclear.